The following is an entry in ClinVar:

ClinVar aggregate classification (germline): Conflicting classifications of pathogenicity. Review status: criteria provided, conflicting classifications (1 of 4 stars). 3 submissions from 3 submitters: Likely pathogenic (1); Uncertain significance (2). Last evaluated 2026-02-01.

Conditions:
Mitochondrial complex I deficiency, nuclear type 15. Also called: Mitochondrial complex 1 deficiency, nuclear type 15. Identifiers: MedGen C4748778, MONDO:0032620, OMIM 618237.

gnomAD v4.1: 1 of 1,614,186 alleles (0.000062%); highest among the groups gnomAD compares: Non-Finnish European, 0.000085%; no homozygotes.

Submissions (3):

Egypt Genome Project
Classification: Uncertain significance for Mitochondrial complex I deficiency, nuclear type 15. Last evaluated: 2026-02-01. Review status: criteria provided, single submitter. Criteria: ACMG Guidelines, 2015. Collection method: research. Allele origin: germline. Affected: yes.
Comment: The NM_014165.3 c.19C>A is classified as Variant of uncertain significance based on the AMCG/AMP criteria (PM2, PM3-supporting, PS4-supporting, PP3)

3billion
Classification: Uncertain significance for Mitochondrial complex I deficiency, nuclear type 15. Last evaluated: 2025-05-30. Review status: criteria provided, single submitter. Criteria: ACMG Guidelines, 2015. Collection method: clinical testing. Allele origin: germline. Affected: yes.
Comment: The variant is observed at an extremely low frequency in the gnomAD v4.1.0 dataset (total allele frequency: <0.001%). Predicted Consequence/Location: Missense variant In silico tool predictions suggest damaging effect of the variant on gene or gene product [REVEL: 0.83 (>=0.6, sensitivity 0.68 and specificity 0.92)]. The same nucleotide change resulting in the same amino acid change has been previously reported to be associated with NDUFAF4-related disorder (ClinVar ID: VCV003776782; PMID: 38703036). Therefore, this variant is classified as VUS according to the recommendation of ACMG/AMP guideline.

Service de Génétique Médicale, Centre Hospitalier Universitaire de Nice-Université Côte d'Azur
Classification: Likely pathogenic for Mitochondrial complex I deficiency, nuclear type 15. Last evaluated: 2024-02-27. Review status: criteria provided, single submitter. Criteria: ACMG Guidelines, 2015. Collection method: clinical testing. Allele origin: germline. Affected: yes.

Literature cited by the submitters: PubMed 38703036 (cited by 3billion and Service de Génétique Médicale, Centre Hospitalier Universitaire de Nice-Université Côte d'Azur).

NM_014165.4(NDUFAF4):c.19C>A (p.Arg7Ser)

Genes: NDUFAF4 (NADH:ubiquinone oxidoreductase complex assembly factor 4; minus strand), LOC129996857 (ATAC-STARR-seq lymphoblastoid active region 24846; plus strand). Cytogenetic location: 6q16.1.
Variant type: single nucleotide variant.
Coding change: c.19C>A on transcript NM_014165.4 (MANE Select); coding-DNA position 19, C replaced by A.
Protein change: p.Arg7Ser; replaces arginine 7 with serine.
Molecular consequence: missense variant.
Genome position (GRCh38, 1-based): chr6:96,897,783, G>T on the plus strand (C>A on the coding strand, the complement: NDUFAF4 is on the minus strand). VCF-style: chr6-96897783-G-T. GRCh37 (hg19) VCF-style: chr6-97345659-G-T.
Other names: c.19C>A (NM_014165.3); short protein forms R7S.
Identifiers: ClinVar variation 3776782 (VCV003776782.3).